The following is an entry in ClinVar:

ClinVar aggregate classification (germline): Uncertain significance (1 of 4 stars; one submission).

Conditions:
Gastrointestinal stromal tumor. Also called: Gastrointestinal stromal tumor, somatic; Gastrointestinal stroma tumor. Identifiers: Orphanet 44890, MedGen C0238198, MeSH D046152, MONDO:0011719, OMIM 606764, HP:0100723.

Submission:

Labcorp Genetics (formerly Invitae), Labcorp
Classification: Uncertain significance for Gastrointestinal stromal tumor. Last evaluated: 2025-09-20. Review status: criteria provided, single submitter. Criteria: Invitae Variant Classification Sherloc (09022015). Collection method: clinical testing. Allele origin: germline.
Comment: This sequence change affects codon 299 of the PDGFRA mRNA. It is a 'silent' change, meaning that it does not change the encoded amino acid sequence of the PDGFRA protein. This variant is not present in population databases (gnomAD no frequency). This variant has not been reported in the literature in individuals affected with PDGFRA-related conditions. Algorithms developed to predict the effect of sequence changes on RNA splicing suggest that this variant may disrupt the consensus splice site. In summary, the available evidence is currently insufficient to determine the role of this variant in disease. Therefore, it has been classified as a Variant of Uncertain Significance.

NM_006206.6(PDGFRA):c.897C>A (p.Val299=)

Gene: PDGFRA (platelet derived growth factor receptor alpha; plus strand). Cytogenetic location: 4q12.
Variant type: single nucleotide variant.
Coding change: c.897C>A on transcript NM_006206.6 (MANE Select); coding-DNA position 897, C replaced by A.
Protein change: p.Val299=; no amino-acid change (valine 299 retained).
Molecular consequence: synonymous variant.
Genome position (GRCh38, 1-based): chr4:54,267,426, C>A. VCF-style: chr4-54267426-C-A. GRCh37 (hg19) VCF-style: chr4-55133593-C-A.
Other names: c.897C>A, p.Val299= (NM_001347827.2, NM_001347829.2); c.972C>A, p.Val324= (NM_001347828.2); c.936C>A, p.Val312= (NM_001347830.2).
Identifiers: ClinVar variation 4727472 (VCV004727472.1).
Genomic context (GRCh38, chr4:54,267,426, plus strand): 5'-GGCCACGGTGAAAGACAGTGGAGATTACGAATGTGCTGCCCGCCAGGCTACCAGGGAGGT[C>A]AAAGAAATGAAGAAAGTCACTATTTCTGTCCATGGTACATTCCGCTTTCTAAAATGTCAG-3'
Protein context (NP_006197.1, residues 289-309): ECAARQATRE[Val299=]KEMKKVTISV